The following is an entry in ClinVar:

NM_001042492.3(NF1):c.6756del (p.Phe2252fs)

Gene: NF1 (neurofibromin 1; plus strand). Cytogenetic location: 17q11.2.
Variant type: Deletion.
Coding change: c.6756del on transcript NM_001042492.3 (MANE Select); coding-DNA position 6756, one base deleted (T; older notation c.6756delT).
Protein change: p.Phe2252fs; shifts the reading frame from phenylalanine 2252.
Molecular consequence: frameshift variant.
Genome position (GRCh38, 1-based): chr17:31,338,076, T deleted; the last of 3 consecutive T bases (chr17:31,338,074-31,338,076); deleting any one gives the same sequence. VCF-style (leftmost placement, unchanged base first): chr17-31338073-CT-C. GRCh37 (hg19) VCF-style: chr17-29665091-CT-C.
Other names: c.6693delT, p.Phe2231Leufs (NM_000267.4); c.6693delT (NM_000267.3); short protein forms F2231fs, F2252fs.
Identifiers: ClinVar variation 1754920 (VCV001754920.6), dbSNP rs2508759271, ClinGen allele CA2580093138.

ClinVar aggregate classification (germline): Pathogenic. Review status: criteria provided, multiple submitters, no conflicts (2 of 4 stars). 2 submissions from 2 submitters: Pathogenic (2). Last evaluated 2025-03-09.

Conditions:
Cardiovascular phenotype. Identifiers: MedGen CN230736.
Hereditary cancer-predisposing syndrome. Also called: Neoplastic Syndromes, Hereditary; Tumor predisposition; Hereditary neoplastic syndrome; Hereditary Cancer Syndrome. Identifiers: Orphanet 140162, MedGen C0027672, MeSH D009386, MONDO:0015356.
Neurofibromatosis, type 1 (NF1). Also called: Peripheral type neurofibromatosis; VON RECKLINGHAUSEN DISEASE; NEUROFIBROMATOSIS, TYPE I, SOMATIC; Neurofibromatosis, type I. Identifiers: Orphanet 636, MedGen C0027831, MONDO:0018975, OMIM 162200. Disease mechanism: loss of function.

Submissions (2):

Labcorp Genetics (formerly Invitae), Labcorp
Classification: Pathogenic for Neurofibromatosis, type 1. Last evaluated: 2025-03-09. Review status: criteria provided, single submitter. Criteria: Invitae Variant Classification Sherloc (09022015). Collection method: clinical testing. Allele origin: germline.
Comment: This sequence change creates a premature translational stop signal (p.Phe2231Leufs*13) in the NF1 gene. It is expected to result in an absent or disrupted protein product. Loss-of-function variants in NF1 are known to be pathogenic (PMID: 10712197, 23913538). This variant is not present in population databases (gnomAD no frequency). This variant has not been reported in the literature in individuals affected with NF1-related conditions. ClinVar contains an entry for this variant (Variation ID: 1754920). Algorithms developed to predict the effect of sequence changes on RNA splicing suggest that this variant may disrupt the consensus splice site. For these reasons, this variant has been classified as Pathogenic.

Ambry Genetics
Classification: Pathogenic for Cardiovascular phenotype; Hereditary cancer-predisposing syndrome. Last evaluated: 2023-01-23. Review status: criteria provided, single submitter. Criteria: Ambry Variant Classification Scheme 2023. Collection method: clinical testing. Allele origin: germline.
Comment: The c.6693delT pathogenic mutation, located in coding exon 44 of the NF1 gene, results from a deletion of one nucleotide at nucleotide position 6693, causing a translational frameshift with a predicted alternate stop codon (p.F2231Lfs*13). This alteration is expected to result in loss of function by premature protein truncation or nonsense-mediated mRNA decay. As such, this alteration is interpreted as a disease-causing mutation.

Literature cited by the submitters: PubMed 10712197 (cited by Labcorp Genetics (formerly Invitae), Labcorp); PubMed 23913538 (cited by Labcorp Genetics (formerly Invitae), Labcorp).